The following is an entry in ClinVar:

ClinVar aggregate classification (germline): Uncertain significance (1 of 4 stars; one submission).

Submission:

Labcorp Genetics (formerly Invitae), Labcorp
Classification: Uncertain significance. Last evaluated: 2022-05-07. Review status: criteria provided, single submitter. Criteria: Invitae Variant Classification Sherloc (09022015). Collection method: clinical testing. Allele origin: germline.
Comment: In summary, the available evidence is currently insufficient to determine the role of this variant in disease. Therefore, it has been classified as a Variant of Uncertain Significance. Algorithms developed to predict the effect of missense changes on protein structure and function are either unavailable or do not agree on the potential impact of this missense change (SIFT: "Deleterious"; PolyPhen-2: "Benign"; Align-GVGD: "Class C0"). This variant has not been reported in the literature in individuals affected with ARNT2-related conditions. This variant is not present in population databases (gnomAD no frequency). This sequence change replaces leucine, which is neutral and non-polar, with valine, which is neutral and non-polar, at codon 213 of the ARNT2 protein (p.Leu213Val).

NM_014862.4(ARNT2):c.637C>G (p.Leu213Val)

Gene: ARNT2 (aryl hydrocarbon receptor nuclear translocator 2; plus strand). Cytogenetic location: 15q25.1.
Variant type: single nucleotide variant.
Coding change: c.637C>G on transcript NM_014862.4 (MANE Select); coding-DNA position 637, C replaced by G.
Protein change: p.Leu213Val; replaces leucine 213 with valine.
Molecular consequence: missense variant.
Genome position (GRCh38, 1-based): chr15:80,508,170, C>G. VCF-style: chr15-80508170-C-G. GRCh37 (hg19) VCF-style: chr15-80800511-C-G.
Other names: short protein forms L213V.
Identifiers: ClinVar variation 2135086 (VCV002135086.4), dbSNP rs2505151423, ClinGen allele CA393656874.
Genomic context (GRCh38, chr15:80,508,170, plus strand): 5'-CAACCGAAGGCAGAGGCTTACGTAACTGTCCTTCTCTCTCTCTTAGGCCGGATCTTGGAC[C>G]TGAAGACTGGGACGGTCAAGAAAGAAGGGCAGCAGTCATCCATGAGGATGTGCATGGGCT-3'
Protein context (NP_055677.3, residues 203-223): ENSMTGRILD[Leu213Val]KTGTVKKEGQ